The following is an entry in ClinVar:

ClinVar aggregate classification (germline): Uncertain significance. Review status: criteria provided, multiple submitters, no conflicts (2 of 4 stars). 2 submissions from 2 submitters: Uncertain significance (2). Last evaluated 2024-04-29.

Conditions:
Primary ciliary dyskinesia 32. Also called: CILIARY DYSKINESIA, PRIMARY, 32, WITHOUT SITUS INVERSUS. Identifiers: Orphanet 244, MedGen C4225311, MONDO:0014657, OMIM 616481.

Allele frequency attached by ClinVar (database versions not stated): gnomAD exomes 0.00004; ExAC 0.00005; gnomAD 0.00005; TOPMed 0.00005; ESP Exome Variant Server 0.00008.
gnomAD v4.1: 63 of 1,613,164 alleles (0.0039%); highest among the groups gnomAD compares: Non-Finnish European, 0.0052%; no homozygotes.

Submissions (2):

Mayo Clinic Laboratories, Mayo Clinic
Classification: Uncertain significance. Last evaluated: 2024-04-29. Review status: criteria provided, single submitter. Criteria: ACMG Guidelines, 2015. Collection method: clinical testing. Allele origin: germline. Observed: 1 variant allele.
Comment: BP4

Labcorp Genetics (formerly Invitae), Labcorp
Classification: Uncertain significance for Primary ciliary dyskinesia 32. Last evaluated: 2022-07-20. Review status: criteria provided, single submitter. Criteria: Invitae Variant Classification Sherloc (09022015). Collection method: clinical testing. Allele origin: germline.
Comment: This sequence change replaces arginine, which is basic and polar, with histidine, which is basic and polar, at codon 357 of the RSPH3 protein (p.Arg357His). This variant is present in population databases (rs376153314, gnomAD 0.006%). This variant has not been reported in the literature in individuals affected with RSPH3-related conditions. Algorithms developed to predict the effect of missense changes on protein structure and function are either unavailable or do not agree on the potential impact of this missense change (SIFT: "Deleterious"; PolyPhen-2: "Possibly Damaging"; Align-GVGD: "Class C0"). In summary, the available evidence is currently insufficient to determine the role of this variant in disease. Therefore, it has been classified as a Variant of Uncertain Significance.

NM_031924.8(RSPH3):c.644G>A (p.Arg215His)

Gene: RSPH3 (radial spoke head 3; minus strand). Cytogenetic location: 6q25.3.
Variant type: single nucleotide variant.
Coding change: c.644G>A on transcript NM_031924.8 (MANE Select); coding-DNA position 644, G replaced by A.
Protein change: p.Arg215His; replaces arginine 215 with histidine.
Molecular consequence: missense variant. On other transcripts: non-coding transcript variant (1).
Genome position (GRCh38, 1-based): chr6:158,982,537, C>T on the plus strand (G>A on the coding strand, the complement: RSPH3 is on the minus strand). VCF-style: chr6-158982537-C-T. GRCh37 (hg19) VCF-style: chr6-159403569-C-T.
Other names: p.Arg357His; c.782G>A, p.Arg261His (NM_001346418.1); c.1070G>A (NM_031924.6); short protein forms R215H, R261H.
Identifiers: ClinVar variation 2083584 (VCV002083584.2), dbSNP rs376153314, ClinGen allele CA4075856.
Genomic context (GRCh38, chr6:158,982,537, plus strand): 5'-ATATATACTTTTTCTTCTCGGTGTCGCCTCTCTTGCTCTTCAAGTCGTTGAACTTCAGCA[C>T]GTTCACTATTCCGTAGTTCTTCATACTCACGCTGACTGGCCCGCAGGTTAGCCAGCTCTT-3'
Protein context (NP_114130.4, residues 205-225): REYEELRNSE[Arg215His]AEVQRLEEQE